The following is an entry in ClinVar:

ClinVar aggregate classification (germline): Uncertain significance (1 of 4 stars; one submission).

Submission:

Women's Health and Genetics/Laboratory Corporation of America, LabCorp
Classification: Uncertain significance. Last evaluated: 2024-03-22. Review status: criteria provided, single submitter. Criteria: LabCorp Variant Classification Summary - May 2015. Collection method: clinical testing. Allele origin: germline.
Comment: Variant summary: COL12A1 c.8134C>G (p.Pro2712Ala) results in a non-conservative amino acid change located in the Thrombospondin-like, N-terminal domain (IPR048287) of the encoded protein sequence. Three of five in-silico tools predict a benign effect of the variant on protein function. The variant was absent in 249336 control chromosomes. The available data on variant occurrences in the general population are insufficient to allow any conclusion about variant significance. To our knowledge, no occurrence of c.8134C>G in individuals affected with Bethlem Myopathy 2 and no experimental evidence demonstrating its impact on protein function have been reported. No submitters have cited clinical-significance assessments for this variant to ClinVar. Based on the evidence outlined above, the variant was classified as uncertain significance.

NM_004370.6(COL12A1):c.8134C>G (p.Pro2712Ala)

Gene: COL12A1 (collagen type XII alpha 1 chain; minus strand). Cytogenetic location: 6q13.
Variant type: single nucleotide variant.
Coding change: c.8134C>G on transcript NM_004370.6 (MANE Select); coding-DNA position 8134, C replaced by G.
Protein change: p.Pro2712Ala; replaces proline 2712 with alanine.
Molecular consequence: missense variant.
Genome position (GRCh38, 1-based): chr6:75,106,463, G>C on the plus strand (C>G on the coding strand, the complement: COL12A1 is on the minus strand). VCF-style: chr6-75106463-G-C. GRCh37 (hg19) VCF-style: chr6-75816179-G-C.
Other names: c.8134C>G, p.Pro2712Ala (NM_001424113.1); c.8113C>G, p.Pro2705Ala (NM_001424114.1); c.7861C>G, p.Pro2621Ala (NM_001424115.1); c.4642C>G, p.Pro1548Ala (NM_001424116.1, NM_080645.3); short protein forms P1548A, P2621A, P2705A, P2712A.
Identifiers: ClinVar variation 3233817 (VCV003233817.2), dbSNP rs2533127522, ClinGen allele CA364741354.
Genomic context (GRCh38, chr6:75,106,463, plus strand): 5'-ATTCTGTTTTACTTACCCTAGAGGGAATATCACAGCATCTGTCTCTACTGGTCCACACTG[G>C]ACTGCAGACAATGTCAAAACTCTGGATTTGGAACTGCAAACAACCAACAGCAACATCAGC-3'
Protein context (NP_004361.3, residues 2702-2722): QIQSFDIVCS[Pro2712Ala]VWTSRDRCCD